The following is an entry in ClinVar:

NM_000157.4(GBA1):c.1448T>A (p.Leu483Gln)

Genes: GBA1 (glucosylceramidase beta 1; minus strand), LOC106627981 (GBA recombination region; plus strand). Cytogenetic location: 1q22.
Variant type: single nucleotide variant.
Coding change: c.1448T>A on transcript NM_000157.4 (MANE Select); coding-DNA position 1448, T replaced by A.
Protein change: p.Leu483Gln; replaces leucine 483 with glutamine.
Molecular consequence: missense variant.
Genome position (GRCh38, 1-based): chr1:155,235,252, A>T on the plus strand (T>A on the coding strand, the complement: GBA1 is on the minus strand). VCF-style: chr1-155235252-A-T. GRCh37 (hg19) VCF-style: chr1-155205043-A-T.
Other names: c.1448T>A, p.Leu483Gln (NM_001005741.3, NM_001005742.3); c.1187T>A, p.Leu396Gln (NM_001171811.2); c.1301T>A, p.Leu434Gln (NM_001171812.2); short protein forms L396Q, L434Q, L483Q.
Identifiers: ClinVar variation 4817726 (VCV004817726.1).
Genomic context (GRCh38, chr1:155,235,252, plus strand): 5'-CACCGGTTTAGCACGACCACAACAGCAGAGCCATCGGGATGCATCAGTGCCACTGCGTCC[A>T]GGTCGTTCTTCTGACTGGCAACCAGCCCCACTCTCTGGGAGCCCTCAGGAATGAACTTGC-3'
Protein context (NP_000148.2, residues 473-493): VGLVASQKND[Leu483Gln]DAVALMHPDG

ClinVar aggregate classification (germline): Likely pathogenic (1 of 4 stars; one submission).

Conditions:
Gaucher disease. Also called: Acute cerebral Gaucher disease; Cerebroside lipidosis syndrome; Gaucher splenomegaly; Sphingolipidosis 1; Glucocerebrosidosis; Glucosylceramidase deficiency. Identifiers: Orphanet 355, MedGen C0017205, MONDO:0018150.

Submission:

Natera, Inc.
Classification: Likely pathogenic for Gaucher disease. Last evaluated: 2024-11-19. Review status: criteria provided, single submitter. Criteria: Natera Variant Classification Schema (03/2026). Collection method: clinical testing. Allele origin: germline.
Comment: The c.1448T>A variant in GBA1 is a missense variant predicted to cause substitution of leucine to glutamine at amino acid 483. This variant is rare in the general population with a frequency below the threshold expected for the associated phenotype(s). This variant has been observed in one or more individuals affected with the associated recessive disease, as either homozygous or compound heterozygous with a second variant (PMID: 38930117). A different variant at the same position has been determined to be Pathogenic or Likely Pathogenic. Computational prediction algorithms indicate this variant is likely to affect gene or protein function. Given the available evidence, this variant is classified as Likely Pathogenic.

Literature cited by the submitters: PubMed 38930117.